The following is an entry in ClinVar:

ClinVar aggregate classification (germline): Likely benign. Review status: criteria provided, multiple submitters, no conflicts (2 of 4 stars). 2 submissions from 2 submitters: Likely benign (2). Last evaluated 2025-05-13.

Conditions:
Tuberous sclerosis 2 (TSC2). Identifiers: Orphanet 805, MedGen C1860707, MONDO:0013199, OMIM 613254.

Allele frequency attached by ClinVar (database versions not stated): gnomAD exomes below 0.00001.
gnomAD v4.1: 1 of 1,614,070 alleles (0.000062%); highest among the groups gnomAD compares: Non-Finnish European, 0.000085%; no homozygotes.

Submissions (2):

Myriad Genetics, Inc.
Classification: Likely benign for Tuberous sclerosis 2. Last evaluated: 2025-05-13. Review status: criteria provided, single submitter. Criteria: Myriad Autosomal Dominant, Autosomal Recessive and X-Linked Classification Criteria (2023). Collection method: clinical testing. Allele origin: unknown.
Comment: This variant is considered likely benign. This variant is intronic and is not expected to impact mRNA splicing.

Labcorp Genetics (formerly Invitae), Labcorp
Classification: Likely benign for Tuberous sclerosis 2. Last evaluated: 2024-03-18. Review status: criteria provided, single submitter. Criteria: Invitae Variant Classification Sherloc (09022015). Collection method: clinical testing. Allele origin: germline.

NM_000548.5(TSC2):c.1120-15T>C

Gene: TSC2 (TSC complex subunit 2; plus strand). Cytogenetic location: 16p13.3.
Variant type: single nucleotide variant.
Coding change: c.1120-15T>C on transcript NM_000548.5 (MANE Select); 15 bases into the intron before coding-DNA position 1120, T replaced by C.
Molecular consequence: intron variant.
Genome position (GRCh38, 1-based): chr16:2,061,856, T>C. VCF-style: chr16-2061856-T-C. GRCh37 (hg19) VCF-style: chr16-2111857-T-C.
Other names: c.973-15T>C (NM_001318829.2); c.1153-15T>C (NM_001318832.2); c.1120-15T>C (NM_001114382.3, NM_021055.3, NM_001370405.1 and 3 more transcripts); c.1009-15T>C (NM_001318827.2); c.520-15T>C (NM_001318831.2).
Identifiers: ClinVar variation 2194137 (VCV002194137.5), dbSNP rs2548535969, ClinGen allele CA2580090707.
Genomic context (GRCh38, chr16:2,061,856, plus strand): 5'-GTGTAGCGAGGCCTCTGGTGCCAAGTCCATGTGGGGAGTGGAAGTCAGCCTGTGTCATCG[T>C]GCCTGGTACTGCAGACCTTGGACAGCCCGGAGCTCAGGACCATCGTCCATGACCTGTTGA-3'